The following is an entry in ClinVar:

NM_001379180.1(ESRRB):c.*1546C>T

Gene: ESRRB (estrogen related receptor beta; plus strand). Cytogenetic location: 14q24.3.
Variant type: single nucleotide variant.
Coding change: c.*1546C>T on transcript NM_001379180.1 (MANE Select); 1546 bases downstream of the stop codon, C replaced by T.
Molecular consequence: 3 prime UTR variant. On other transcripts: missense variant (1).
Genome position (GRCh38, 1-based): chr14:76,500,004, C>T. VCF-style: chr14-76500004-C-T. GRCh37 (hg19) VCF-style: chr14-76966347-C-T.
Other names: c.1438C>T, p.Pro480Ser (NM_004452.4); short protein forms P480S.
Identifiers: ClinVar variation 163425 (VCV000163425.60), dbSNP rs201448899, ClinGen allele CA176065.

ClinVar aggregate classification (germline): Conflicting classifications of pathogenicity. Review status: criteria provided, conflicting classifications (1 of 4 stars). 11 submissions from 11 submitters: Uncertain significance (9); Likely benign (2). Last evaluated 2026-08-05.

Conditions:
ESRRB-related disorder. Also called: ESRRB-related condition.
Autosomal recessive nonsyndromic hearing loss 35. Identifiers: Orphanet 90636, MedGen C1837857, MONDO:0012060, OMIM 608565.

Allele frequency attached by ClinVar (database versions not stated): 1000 Genomes Project 0.00060; 1000 Genomes Project 30x 0.00062; gnomAD exomes 0.00067; gnomAD 0.00087 and 0.00088; ExAC 0.00100; ESP Exome Variant Server 0.00110; TOPMed 0.00117.
gnomAD v4.1: 1,489 of 1,573,048 alleles (0.095%); highest among the groups gnomAD compares: Middle Eastern, 0.27%; 4 homozygotes.

Submissions (11):

PreventionGenetics, part of Exact Sciences
Classification: Uncertain significance for ESRRB-related condition. Last evaluated: 2026-08-05. Review status: criteria provided, single submitter. Criteria: ACMG Guidelines, 2015. Collection method: clinical testing. Allele origin: germline.
Comment: The ESRRB c.1438C>T variant is predicted to result in the amino acid substitution p.Pro480Ser. This variant was reported in an individual with Meniere's disease, although pathogenicity was not established (described as rs201448899, Gallego-Martinez et al 2019. PubMed ID: 30828346). This variant is reported in 0.11% of alleles in individuals of Latino descent in gnomAD, including four homozygotes in the larger gnomAD v4.1.1 database. At this time, the clinical significance of this variant is uncertain due to the absence of conclusive functional and genetic evidence.

Labcorp Genetics (formerly Invitae), Labcorp
Classification: Uncertain significance. Last evaluated: 2025-11-12. Review status: criteria provided, single submitter. Criteria: Invitae Variant Classification Sherloc (09022015). Collection method: clinical testing. Allele origin: germline.
Comment: This sequence change replaces proline, which is neutral and non-polar, with serine, which is neutral and polar, at codon 480 of the ESRRB protein (p.Pro480Ser). This variant is present in population databases (rs201448899, gnomAD 0.1%), and has an allele count higher than expected for a pathogenic variant. This missense change has been observed in individual(s) with Meniere disease (PMID: 30828346). ClinVar contains an entry for this variant (Variation ID: 163425). An algorithm developed to predict the effect of missense changes on protein structure and function outputs the following: PolyPhen-2: "Benign". The serine amino acid residue is found in multiple mammalian species, which suggests that this missense change does not adversely affect protein function. In summary, the available evidence is currently insufficient to determine the role of this variant in disease. Therefore, it has been classified as a Variant of Uncertain Significance.

CeGaT Center for Human Genetics Tuebingen
Classification: Likely benign. Last evaluated: 2025-01-01. Review status: criteria provided, single submitter. Criteria: CeGaT Center For Human Genetics Tuebingen Variant Classification Criteria Version 2. Collection method: clinical testing. Allele origin: germline. Affected: yes. Observed: 2 variant alleles.
Comment: ESRRB: BS1:Supporting

Women's Health and Genetics/Laboratory Corporation of America, LabCorp
Classification: Uncertain significance. Last evaluated: 2024-12-17. Review status: criteria provided, single submitter. Criteria: LabCorp Variant Classification Summary - May 2015. Collection method: clinical testing. Allele origin: germline.
Comment: Variant summary: ESRRB c.1438C>T (p.Pro480Ser) results in a non-conservative amino acid change in the encoded protein sequence. Two of three in-silico tools predict a benign effect of the variant on protein function. The variant allele was found at a frequency of 0.00067 in 183596 control chromosomes. This frequency is not significantly higher than estimated for a pathogenic variant in ESRRB causing Autosomal Recessive Nonsyndromic Hearing Loss 35, allowing no conclusion about variant significance. c.1438C>T has been reported in the literature in individual(s) affected with Meniere's disease (Gallego-Martinez_2019) but not Autosomal Recessive Nonsyndromic Hearing Loss 35. These report(s) do not provide unequivocal conclusions about association of the variant with Autosomal Recessive Nonsyndromic Hearing Loss 35. To our knowledge, no experimental evidence demonstrating an impact on protein function has been reported. The following publication have been ascertained in the context of this evaluation (PMID: 30828346). ClinVar contains an entry for this variant (Variation ID: 163425). Based on the evidence outlined above, the variant was classified as uncertain significance.

Blueprint Genetics
Classification: Uncertain significance. Last evaluated: 2024-11-26. Review status: criteria provided, single submitter. Criteria: ACMG Guidelines, 2015. Collection method: clinical testing. Allele origin: germline.

GeneDx
Classification: Likely benign. Last evaluated: 2020-10-20. Review status: criteria provided, single submitter. Criteria: GeneDx Variant Classification Process June 2021. Collection method: clinical testing. Allele origin: germline. Affected: yes.

ARUP Laboratories, Molecular Genetics and Genomics, ARUP Laboratories
Classification: Uncertain significance for Autosomal recessive nonsyndromic hearing loss 35. Last evaluated: 2019-03-05. Review status: criteria provided, single submitter. Criteria: ARUP Molecular Germline Variant Investigation Process. Collection method: clinical testing. Allele origin: germline.
Comment: The ESRRB c.1438C>T; p.Pro480Ser variant (rs201448899) is reported in the literature in a cohort of individuals affected with Meniere's disease, though it was not considered to be disease-causing (Gallego-Martinez 2019). This variant is found in the Latino population with an overall allele frequency of 0.11% (31/27214 alleles) in the Genome Aggregation Database. The proline at codon 480 is weakly conserved but computational analyses (SIFT: damaging, PolyPhen-2: benign) predict conflicting effects of this variant on protein structure/function. Given the lack of clinical and functional data, the significance of the p.Pro480Ser variant is uncertain at this time. References: Gallego-Martinez A et al. Excess of Rare Missense Variants in Hearing Loss Genes in Sporadic Meniere Disease. Front. Genet. 2019 Feb 15;10:76.

Baylor Genetics
Classification: Uncertain significance for Autosomal recessive nonsyndromic hearing loss 35. Last evaluated: 2019-03-02. Review status: criteria provided, single submitter. Criteria: ACMG Guidelines, 2015. Collection method: clinical testing. Allele origin: unknown. Affected: yes.
Comment: This variant was determined to be of uncertain significance according to ACMG Guidelines, 2015 [PMID:25741868].

Illumina Laboratory Services, Illumina
Classification: Uncertain significance for Autosomal recessive nonsyndromic hearing loss 35. Last evaluated: 2017-04-27. Review status: criteria provided, single submitter. Criteria: ICSL Variant Classification Criteria 13 December 2019. Collection method: clinical testing. Allele origin: germline.

Eurofins Ntd Llc (ga)
Classification: Uncertain significance. Last evaluated: 2017-02-06. Review status: criteria provided, single submitter. Criteria: EGL Classification Definitions 2015. Collection method: clinical testing. Allele origin: germline. Observed: 1 variant allele, 1 heterozygote.

Laboratory for Molecular Medicine, Mass General Brigham Personalized Medicine
Classification: Uncertain significance. Last evaluated: 2016-06-20. Review status: criteria provided, single submitter. Criteria: LMM Criteria. Collection method: clinical testing. Allele origin: germline. Observed: 3 variant alleles.
Comment: Variant classified as Uncertain Significance - Favor Benign. This variant has also been identified in 0.2% (3/1324) of Latino chromosomes and 0.1% (25/18010) of European chromosomes by t he Exome Aggregation Consortium (ExAC; dbSNP rs2 01448899). Although this variant has been seen in the general population, its fr equency is not high enough to rule out a pathogenic role. Computational predicti on tools and conservation analyses suggest that the variant may not impact the p rotein, though this information is not predictive enough to rule out pathogenici ty. In summary, while the clinical significance of the p.Pro480Ser variant is un certain, its frequency suggests that it is more likely to be benign.

Literature cited by the submitters: PubMed 30828346 (cited by Labcorp Genetics (formerly Invitae), Labcorp and Women's Health and Genetics/Laboratory Corporation of America, LabCorp).